The following is an entry in ClinVar:

NM_198428.3(BBS9):c.1423G>T (p.Glu475Ter)

Gene: BBS9 (Bardet-Biedl syndrome 9; plus strand). Cytogenetic location: 7p14.3.
Variant type: single nucleotide variant.
Coding change: c.1423G>T on transcript NM_198428.3 (MANE Select); coding-DNA position 1423, G replaced by T.
Protein change: p.Glu475Ter; replaces glutamic acid 475 with a stop codon.
Molecular consequence: nonsense. On other transcripts: non-coding transcript variant (3).
Genome position (GRCh38, 1-based): chr7:33,349,161, G>T. VCF-style: chr7-33349161-G-T. GRCh37 (hg19) VCF-style: chr7-33388773-G-T.
Other names: c.1423G>T, p.Glu475Ter (NM_001033604.2, NM_001033605.2, NM_001348036.1 and 5 more transcripts); c.1057G>T, p.Glu353Ter (NM_001348037.3, NM_001348044.3, NM_001348045.3 and 1 more transcripts); c.1150G>T, p.Glu384Ter (NM_001348038.3, NM_001348039.3); c.1288G>T, p.Glu430Ter (NM_001348042.3); short protein forms E475*, E353*, E384*, E430*.
Identifiers: ClinVar variation 216145 (VCV000216145.11), dbSNP rs863224534, ClinGen allele CA335980.

ClinVar aggregate classification (germline): Pathogenic/Likely pathogenic. Review status: criteria provided, multiple submitters, no conflicts (2 of 4 stars). 3 submissions from 3 submitters: Pathogenic (2); Likely pathogenic (1). Last evaluated 2026-04-01.

Conditions:
Bardet-Biedl syndrome (BBS). Identifiers: Orphanet 110, MedGen C0752166, MONDO:0015229.
Bardet-Biedl syndrome 9 (BBS9). Identifiers: Orphanet 110, MedGen C1859567, MONDO:0014437, OMIM 615986.

Allele frequency attached by ClinVar (database versions not stated): gnomAD exomes below 0.00001; TOPMed below 0.00001.
gnomAD v4.1: 2 of 1,609,598 alleles (0.00012%); highest among the groups gnomAD compares: Admixed American, 0.0017%; no homozygotes.

Submissions (3):

CeGaT Center for Human Genetics Tuebingen
Classification: Pathogenic. Last evaluated: 2026-04-01. Review status: criteria provided, single submitter. Criteria: CeGaT Center For Human Genetics Tuebingen Variant Classification Criteria Version 2. Collection method: clinical testing. Allele origin: germline. Affected: yes. Observed: 1 variant allele.
Comment: BBS9: PVS1, PM2

Labcorp Genetics (formerly Invitae), Labcorp
Classification: Pathogenic for Bardet-Biedl syndrome. Last evaluated: 2024-01-12. Review status: criteria provided, single submitter. Criteria: Invitae Variant Classification Sherloc (09022015). Collection method: clinical testing. Allele origin: germline.
Comment: This sequence change creates a premature translational stop signal (p.Glu475*) in the BBS9 gene. It is expected to result in an absent or disrupted protein product. Loss-of-function variants in BBS9 are known to be pathogenic (PMID: 16380913, 20177705). This variant is not present in population databases (gnomAD no frequency). This variant has not been reported in the literature in individuals affected with BBS9-related conditions. ClinVar contains an entry for this variant (Variation ID: 216145). For these reasons, this variant has been classified as Pathogenic.

Fulgent Genetics
Classification: Likely pathogenic for Bardet-Biedl syndrome 9. Last evaluated: 2022-02-10. Review status: criteria provided, single submitter. Criteria: ACMG Guidelines, 2015. Collection method: clinical testing. Allele origin: unknown.

Literature cited by the submitters: PubMed 16380913 (cited by Labcorp Genetics (formerly Invitae), Labcorp); PubMed 20177705 (cited by Labcorp Genetics (formerly Invitae), Labcorp).